The following is an entry in ClinVar:

NM_001378328.1(CELSR1):c.4522+4G>A

Gene: CELSR1 (cadherin EGF LAG seven-pass G-type receptor 1; minus strand). Cytogenetic location: 22q13.31.
Variant type: single nucleotide variant.
Coding change: c.4522+4G>A on transcript NM_001378328.1 (MANE Select); 4 bases into the intron after coding-DNA position 4522, G replaced by A.
Molecular consequence: intron variant.
Genome position (GRCh38, 1-based): chr22:46,436,170, C>T on the plus strand (G>A on the coding strand, the complement: CELSR1 is on the minus strand). VCF-style: chr22-46436170-C-T. GRCh37 (hg19) VCF-style: chr22-46832067-C-T.
Other names: c.4522+4G>A (NM_014246.4).
Identifiers: ClinVar variation 3043250 (VCV003043250.2), dbSNP rs374298759, ClinGen allele CA10294630.

ClinVar aggregate classification (germline): Likely benign (0 of 4 stars; one submission).

Conditions:
CELSR1-related disorder. Also called: CELSR1-related condition.

Allele frequency attached by ClinVar (database versions not stated): TOPMed 0.00002; gnomAD 0.00013; gnomAD exomes 0.00020; ExAC 0.00040; 1000 Genomes Project 0.00080; 1000 Genomes Project 30x 0.00094.
gnomAD v4.1: 328 of 1,611,048 alleles (0.02%); highest among the groups gnomAD compares: South Asian, 0.33%; 4 homozygotes.

Submission:

PreventionGenetics, part of Exact Sciences
Classification: Likely benign for CELSR1-related condition. Last evaluated: 2019-07-02. Review status: no assertion criteria provided. Collection method: clinical testing. Allele origin: germline.
Comment: This variant is classified as likely benign based on ACMG/AMP sequence variant interpretation guidelines (Richards et al. 2015 PMID: 25741868, with internal and published modifications).